The following is an entry in ClinVar:

NM_002471.4(MYH6):c.5260GAG[1] (p.Glu1755del)

Gene: MYH6 (myosin heavy chain 6; minus strand). Cytogenetic location: 14q11.2.
Variant type: Microsatellite.
Coding change: c.5260GAG[1] on transcript NM_002471.4 (MANE Select); one copy of the 3-base unit GAG starting at c.5260; the reference has two copies in a row; one copy, 3 bases deleted.
Protein change: p.Glu1755del; deletes glutamic acid 1755.
Molecular consequence: inframe deletion. On other transcripts: inframe indel (2).
Genome position (GRCh38, 1-based): chr14:23,384,940-23,384,942, CTC deleted on the plus strand (GAG on the coding strand, the reverse complement: MYH6 is on the minus strand); deleting any 3 consecutive bases within chr14:23,384,940-23,384,945 gives the same sequence; the position shown is the placement nearest the transcript's 3' end. VCF-style (leftmost placement, unchanged base first): chr14-23384939-TCTC-T. GRCh37 (hg19) VCF-style: chr14-23854148-TCTC-T.
Other names: c.5260_5262GAG[1], p.Glu1755del (NM_002471.3); c.5263_5265delGAG (NM_002471.3); short protein forms E1755del.
Identifiers: ClinVar variation 1746455 (VCV001746455.2), dbSNP rs1595048125, ClinGen allele CA645591659.

ClinVar aggregate classification (germline): Uncertain significance (1 of 4 stars; one submission).

Conditions:
Cardiovascular phenotype. Identifiers: MedGen CN230736.

Submission:

Ambry Genetics
Classification: Uncertain significance for Cardiovascular phenotype. Last evaluated: 2019-09-12. Review status: criteria provided, single submitter. Criteria: Ambry Variant Classification Scheme 2023. Collection method: clinical testing. Allele origin: germline.
Comment: The c.5263_5265delGAG variant (also known as p.E1755del) is located in coding exon 33 of the MYH6 gene, results from an in-frame GAG deletion at nucleotide positions 5263 to 5265. This results in the in-frame deletion of a glutamic acid residue at codon 1755. This amino acid position is highly conserved in available vertebrate species. In addition, this alteration is predicted to be deleterious by in silico analysis (Choi Y et al. PLoS ONE. 2012; 7(10):e46688). Since supporting evidence is limited at this time, the clinical significance of this alteration remains unclear.